The following is an entry in ClinVar:

NM_000135.4(FANCA):c.896T>C (p.Phe299Ser)

Gene: FANCA (FA complementation group A; minus strand). Cytogenetic location: 16q24.3.
Variant type: single nucleotide variant.
Coding change: c.896T>C on transcript NM_000135.4 (MANE Select); coding-DNA position 896, T replaced by C.
Protein change: p.Phe299Ser; replaces phenylalanine 299 with serine.
Molecular consequence: missense variant.
Genome position (GRCh38, 1-based): chr16:89,796,016, A>G on the plus strand (T>C on the coding strand, the complement: FANCA is on the minus strand). VCF-style: chr16-89796016-A-G. GRCh37 (hg19) VCF-style: chr16-89862424-A-G.
Other names: c.896T>C, p.Phe299Ser (NM_001286167.3); short protein forms F299S.
Identifiers: ClinVar variation 3902007 (VCV003902007.1).
Genomic context (GRCh38, chr16:89,796,016, plus strand): 5'-AACCTCTTCAGAGGATCTGTGGAAATTACACTGCCAAGCGTGTGTCCACTGAACACTCCG[A>G]ACCTGCCAATGCAGCAGAAAGAGGGGTCAGGAAAGGGAGGGTGCCTTGCACGCCACCCAC-3'
Protein context (NP_000126.2, residues 289-309): SSTHKIVRCW[Phe299Ser]GVFSGHTLGS

ClinVar aggregate classification (germline): Uncertain significance (1 of 4 stars; one submission).

Conditions:
Fanconi anemia complementation group A (FANCA). Also called: Fanconi anemia, group A; FANCA-Related Fanconi Anemia. Identifiers: Orphanet 84, MedGen C3469521, MONDO:0009215, OMIM 227650.

gnomAD v4.1: 4 of 1,613,312 alleles (0.00025%); highest among the groups gnomAD compares: Admixed American, 0.0017%; no homozygotes.

Submission:

Laboratorio de Genetica e Diagnostico Molecular, Hospital Israelita Albert Einstein
Classification: Uncertain significance for Fanconi anemia complementation group A. Last evaluated: 2023-10-11. Review status: criteria provided, single submitter. Criteria: ACMG Guidelines, 2015. Collection method: clinical testing. Allele origin: germline. Affected: yes.
Comment: ACMG classification criteria: PM2 moderate, BP4 supporting